The following is an entry in ClinVar:

NM_002332.3(LRP1):c.5794+5G>A

Gene: LRP1 (LDL receptor related protein 1; plus strand). Cytogenetic location: 12q13.3.
Variant type: single nucleotide variant.
Coding change: c.5794+5G>A on transcript NM_002332.3 (MANE Select); 5 bases into the intron after coding-DNA position 5794, G replaced by A.
Molecular consequence: intron variant.
Genome position (GRCh38, 1-based): chr12:57,183,515, G>A. VCF-style: chr12-57183515-G-A. GRCh37 (hg19) VCF-style: chr12-57577298-G-A.
Identifiers: ClinVar variation 4976263 (VCV004976263.1).

ClinVar aggregate classification (germline): Uncertain significance (1 of 4 stars; one submission).

Submission:

GeneDx
Classification: Uncertain significance. Last evaluated: 2024-05-30. Review status: criteria provided, single submitter. Criteria: GeneDx Variant Classification Process June 2021. Collection method: clinical testing. Allele origin: germline.
Comment: Not observed at significant frequency in large population cohorts (gnomAD); In silico analysis indicates that this variant does not alter splicing; Has not been previously published as pathogenic or benign to our knowledge; Variants in candidate genes are classified as variants of uncertain significance in accordance with ACMG guidelines (PMID: 25741868)